The following is an entry in ClinVar:

ClinVar aggregate classification (germline): Pathogenic (1 of 4 stars; one submission).

Conditions:
Hereditary spastic paraplegia 11. Also called: Spastic Paraplegia 11; Nakamura Osame syndrome; Autosomal recessive hereditary spastic paraplegia, mental impairment, and thin corpus callosum; SPASTIC PARAPLEGIA, AUTOSOMAL RECESSIVE, COMPLICATED, WITH THIN CORPUS CALLOSUM; SPASTIC PARAPLEGIA, AUTOSOMAL RECESSIVE, WITH MENTAL IMPAIRMENT AND THIN CORPUS CALLOSUM; Spastic paraplegia, mental retardation and thin corpus callosum. Identifiers: Orphanet 2822, MedGen C1858479, MONDO:0011445, OMIM 604360.

Submission:

Labcorp Genetics (formerly Invitae), Labcorp
Classification: Pathogenic for Hereditary spastic paraplegia 11. Last evaluated: 2022-11-20. Review status: criteria provided, single submitter. Criteria: Invitae Variant Classification Sherloc (09022015). Collection method: clinical testing. Allele origin: germline.
Comment: For these reasons, this variant has been classified as Pathogenic. This variant has not been reported in the literature in individuals affected with SPG11-related conditions. This variant is a gross deletion of the genomic region encompassing exon(s) 23 of the SPG11 gene. This deletion is out-of-frame, and is expected to create a premature termination codon and result in an absent or disrupted protein product. Loss-of-function variants in SPG11 are known to be pathogenic (PMID: 19105190, 20110243, 22154821, 26556829).

Literature cited by the submitters: PubMed 19105190; PubMed 20110243; PubMed 22154821; PubMed 26556829.

NC_000015.9:g.(?_44890443)_(44890591_?)del

Gene: SPG11 (SPG11 vesicle trafficking associated, spatacsin; minus strand). Cytogenetic location: 15q21.1.
Variant type: Deletion.
Identifiers: ClinVar variation 1456848 (VCV001456848.4).